The following is an entry in ClinVar:

NM_000341.4(SLC3A1):c.625A>T (p.Ile209Phe)

Gene: SLC3A1 (solute carrier family 3 member 1; plus strand). Cytogenetic location: 2p21.
Variant type: single nucleotide variant.
Coding change: c.625A>T on transcript NM_000341.4 (MANE Select); coding-DNA position 625, A replaced by T.
Protein change: p.Ile209Phe; replaces isoleucine 209 with phenylalanine.
Molecular consequence: missense variant.
Genome position (GRCh38, 1-based): chr2:44,281,401, A>T. VCF-style: chr2-44281401-A-T. GRCh37 (hg19) VCF-style: chr2-44508540-A-T.
Other names: short protein forms I209F.
Identifiers: ClinVar variation 5006296 (VCV005006296.2).

ClinVar aggregate classification (germline): Uncertain significance (1 of 4 stars; one submission).

Conditions:
Cystinuria (CSNU). Also called: CYSTINURIA, TYPE I; CYSTINURIA, TYPE II; CYSTINURIA, TYPE III; Cystinuria, non-type I. Identifiers: Orphanet 214, MedGen C0010691, MONDO:0009067, OMIM 220100, HP:0003131.

Submission:

Juno Genomics, Hangzhou Juno Genomics, Inc
Classification: Uncertain significance for Cystinuria. Review status: criteria provided, single submitter. Criteria: ACMG Guidelines, 2015. Collection method: clinical testing. Allele origin: germline.
Comment: Absent from controls (or at extremely low frequency if recessive) in Genome Aggregation Database.;Multiple lines of computational evidence support a deleterious effect on the gene or gene product.